The following is an entry in ClinVar:

ClinVar aggregate classification (germline): Pathogenic/Likely pathogenic. Review status: criteria provided, multiple submitters, no conflicts (2 of 4 stars). 4 submissions from 4 submitters: Pathogenic (1); Likely pathogenic (3). Last evaluated 2025-02-19.

Conditions:
Glycogen storage disease, type VI (GSD6). Also called: Glycogen storage disease type 6; Hepatic glycogen phosphorylase deficiency; HERS DISEASE; PHOSPHORYLASE DEFICIENCY GLYCOGEN-STORAGE DISEASE OF LIVER; Glycogen storage disease type 6, due to phosphorylation; GSD VI. Identifiers: Orphanet 369, MedGen C0017925, MONDO:0009294, OMIM 232700.

Allele frequency attached by ClinVar (database versions not stated): 1000 Genomes Project 30x 0.00016; 1000 Genomes Project 0.00020.
gnomAD v4.1: 33 of 1,614,186 alleles (0.002%); highest among the groups gnomAD compares: South Asian, 0.029%; no homozygotes.

Submissions (4):

Labcorp Genetics (formerly Invitae), Labcorp
Classification: Pathogenic for Glycogen storage disease, type VI. Last evaluated: 2025-02-19. Review status: criteria provided, single submitter. Criteria: Invitae Variant Classification Sherloc (09022015). Collection method: clinical testing. Allele origin: germline.
Comment: This sequence change replaces glycine, which is neutral and non-polar, with arginine, which is basic and polar, at codon 691 of the PYGL protein (p.Gly691Arg). This variant is present in population databases (rs539898848, gnomAD 0.03%). This missense change has been observed in individuals with glycogen storage disease (PMID: 35143115; internal data). ClinVar contains an entry for this variant (Variation ID: 655030). Invitae Evidence Modeling of protein sequence and biophysical properties (such as structural, functional, and spatial information, amino acid conservation, physicochemical variation, residue mobility, and thermodynamic stability) indicates that this missense variant is expected to disrupt PYGL protein function with a positive predictive value of 80%. For these reasons, this variant has been classified as Pathogenic.

Genomic Medicine Center of Excellence, King Faisal Specialist Hospital and Research Centre
Classification: Likely pathogenic for Glycogen storage disease, type VI. Last evaluated: 2024-04-04. Review status: criteria provided, single submitter. Criteria: ACMG Guidelines, 2015. Collection method: clinical testing. Allele origin: germline.

Fulgent Genetics
Classification: Likely pathogenic for Glycogen storage disease, type VI. Last evaluated: 2024-02-28. Review status: criteria provided, single submitter. Criteria: ACMG Guidelines, 2015. Collection method: clinical testing. Allele origin: germline.

Neuberg Centre For Genomic Medicine, NCGM
Classification: Likely pathogenic for Glycogen storage disease, type VI. Last evaluated: 2023-02-14. Review status: criteria provided, single submitter. Criteria: ACMG Guidelines, 2015. Collection method: clinical testing. Allele origin: germline. Inheritance: Autosomal recessive inheritance. Affected: yes.
Comment: The missense c.2071G>C (p.Gly691Arg) variant in PYGL gene has been reported in compound heterozygous or homozygous state in multiple individuals affected with glycogen storage disorders (Degrassi I, et. al., 2021). This variant is reported with the allele frequency 0.003% in the gnomAD and novel in 1000 genome database. This variant has been reported to the ClinVar database as Pathogenic. The amino acid Gly at position 691 is changed to a Arg changing protein sequence and it might alter its composition and physico-chemical properties. The amino acid change p.Gly691Arg in PYGL is predicted as conserved by GERP++ and PhyloP across 100 vertebrates. Functional studies are required to prove pathogenicity of the variant. For these reasons, this variant has been classified as Likely Pathogenic.

Literature cited by the submitters: PubMed 35143115 (cited by Labcorp Genetics (formerly Invitae), Labcorp).

NM_002863.5(PYGL):c.2071G>C (p.Gly691Arg)

Gene: PYGL (glycogen phosphorylase L; minus strand). Cytogenetic location: 14q22.1.
Variant type: single nucleotide variant.
Coding change: c.2071G>C on transcript NM_002863.5 (MANE Select); coding-DNA position 2071, G replaced by C.
Protein change: p.Gly691Arg; replaces glycine 691 with arginine.
Molecular consequence: missense variant.
Genome position (GRCh38, 1-based): chr14:50,910,001, C>G on the plus strand (G>C on the coding strand, the complement: PYGL is on the minus strand). VCF-style: chr14-50910001-C-G. GRCh37 (hg19) VCF-style: chr14-51376719-C-G.
Other names: c.1969G>C, p.Gly657Arg (NM_001163940.2); short protein forms G657R, G691R.
Identifiers: ClinVar variation 655030 (VCV000655030.13), dbSNP rs539898848, ClinGen allele CA7183230.